The following is an entry in ClinVar:

NM_032620.4(GTPBP3):c.1159G>A (p.Gly387Ser)

Gene: GTPBP3 (GTP binding protein 3, mitochondrial; plus strand). Cytogenetic location: 19p13.11.
Variant type: single nucleotide variant.
Coding change: c.1159G>A on transcript NM_032620.4 (MANE Select); coding-DNA position 1159, G replaced by A.
Protein change: p.Gly387Ser; replaces glycine 387 with serine.
Molecular consequence: missense variant.
Genome position (GRCh38, 1-based): chr19:17,341,228, G>A. VCF-style: chr19-17341228-G-A. GRCh37 (hg19) VCF-style: chr19-17452037-G-A.
Other names: c.1096G>A, p.Gly366Ser (NM_001128855.3); c.1225G>A, p.Gly409Ser (NM_001195422.1); c.1255G>A, p.Gly419Ser (NM_133644.4); short protein forms G366S, G409S, G419S, G387S.
Identifiers: ClinVar variation 1362217 (VCV001362217.3), dbSNP rs757518953, ClinGen allele CA9293653.
Genomic context (GRCh38, chr19:17,341,228, plus strand): 5'-CAGCGCCTCCTCCTGGTGCTGAACAAGTCGGACCTGCTGTCCCCGGAGGGCCCAGGTCCC[G>A]GTCCTGACCTGCCCCCGCACCTGCTGCTGTCCTGTCTGACGGGAGAGGGGCTGGACGGCC-3'
Protein context (NP_116009.2, residues 377-397): DLLSPEGPGP[Gly387Ser]PDLPPHLLLS

ClinVar aggregate classification (germline): Uncertain significance (1 of 4 stars; one submission).

Allele frequency attached by ClinVar (database versions not stated): gnomAD 0.00001; gnomAD exomes 0.00001; ExAC 0.00002; TOPMed 0.00003.
gnomAD v4.1: 13 of 1,607,640 alleles (0.00081%); highest among the groups gnomAD compares: South Asian, 0.0022%; no homozygotes.

Submission:

Labcorp Genetics (formerly Invitae), Labcorp
Classification: Uncertain significance. Last evaluated: 2021-12-29. Review status: criteria provided, single submitter. Criteria: Invitae Variant Classification Sherloc (09022015). Collection method: clinical testing. Allele origin: germline.
Comment: This sequence change replaces glycine, which is neutral and non-polar, with serine, which is neutral and polar, at codon 419 of the GTPBP3 protein (p.Gly419Ser). This variant is present in population databases (rs757518953, gnomAD 0.003%). This variant has not been reported in the literature in individuals affected with GTPBP3-related conditions. Algorithms developed to predict the effect of missense changes on protein structure and function output the following: SIFT: "Tolerated"; PolyPhen-2: "Benign"; Align-GVGD: "Class C0". The serine amino acid residue is found in multiple mammalian species, which suggests that this missense change does not adversely affect protein function. In summary, the available evidence is currently insufficient to determine the role of this variant in disease. Therefore, it has been classified as a Variant of Uncertain Significance.